The following is an entry in ClinVar:

NM_001008212.2(OPTN):c.358A>G (p.Arg120Gly)

Genes: OPTN (optineurin; plus strand), LOC108903148 (10p13 OPTN distal Alu-mediated recombination region; plus strand). Cytogenetic location: 10p13.
Variant type: single nucleotide variant.
Coding change: c.358A>G on transcript NM_001008212.2 (MANE Select); coding-DNA position 358, A replaced by G.
Protein change: p.Arg120Gly; replaces arginine 120 with glycine.
Molecular consequence: missense variant.
Genome position (GRCh38, 1-based): chr10:13,110,465, A>G. VCF-style: chr10-13110465-A-G. GRCh37 (hg19) VCF-style: chr10-13152465-A-G.
Other names: c.358A>G, p.Arg120Gly (NM_001008211.1, NM_001008213.1, NM_021980.4); short protein forms R120G.
Identifiers: ClinVar variation 1732969 (VCV001732969.7), dbSNP rs1308386618, ClinGen allele CA376027736.

ClinVar aggregate classification (germline): Uncertain significance. Review status: criteria provided, multiple submitters, no conflicts (2 of 4 stars). 2 submissions from 2 submitters: Uncertain significance (2). Last evaluated 2022-09-29.

Conditions:
Primary open angle glaucoma (POAG). Also called: OPTN-related open angle glaucoma. Identifiers: MedGen C0339573, MONDO:0100553, OMIM 137760.
Glaucoma 1, open angle, E. Identifiers: MedGen C1842026, MONDO:0007665.
Amyotrophic lateral sclerosis type 12 (ALS12). Also called: AMYOTROPHIC LATERAL SCLEROSIS 12 WITH OR WITHOUT FRONTOTEMPORAL DEMENTIA. Identifiers: Orphanet 803, MedGen C3150692, MONDO:0013264, OMIM 613435.
Inborn genetic diseases. Identifiers: MedGen C0950123, MeSH D030342.

Allele frequency attached by ClinVar (database versions not stated): gnomAD 0.00001.
gnomAD v4.1: 7 of 1,613,144 alleles (0.00043%); highest among the groups gnomAD compares: African/African-American, 0.004%; no homozygotes.

Submissions (2):

Labcorp Genetics (formerly Invitae), Labcorp
Classification: Uncertain significance for Primary open angle glaucoma; Glaucoma 1, open angle, E; Amyotrophic lateral sclerosis type 12. Last evaluated: 2022-09-29. Review status: criteria provided, single submitter. Criteria: Invitae Variant Classification Sherloc (09022015). Collection method: clinical testing. Allele origin: germline.
Comment: This variant is present in population databases (no rsID available, gnomAD 0.008%). This sequence change replaces arginine, which is basic and polar, with glycine, which is neutral and non-polar, at codon 120 of the OPTN protein (p.Arg120Gly). This variant has not been reported in the literature in individuals affected with OPTN-related conditions. In summary, the available evidence is currently insufficient to determine the role of this variant in disease. Therefore, it has been classified as a Variant of Uncertain Significance. Advanced modeling of protein sequence and biophysical properties (such as structural, functional, and spatial information, amino acid conservation, physicochemical variation, residue mobility, and thermodynamic stability) performed at Invitae indicates that this missense variant is not expected to disrupt OPTN protein function.

Ambry Genetics
Classification: Uncertain significance for Inborn genetic diseases. Last evaluated: 2020-08-27. Review status: criteria provided, single submitter. Criteria: Ambry Variant Classification Scheme 2023. Collection method: clinical testing. Allele origin: germline.
Comment: The p.R120G variant (also known as c.358A>G), located in coding exon 2 of the OPTN gene, results from an A to G substitution at nucleotide position 358. The arginine at codon 120 is replaced by glycine, an amino acid with dissimilar properties. This amino acid position is not well conserved in available vertebrate species. In addition, this alteration is predicted to be tolerated by in silico analysis. Since supporting evidence is limited at this time, the clinical significance of this alteration remains unclear.